The following is an entry in ClinVar:

NM_006231.4(POLE):c.2107C>T (p.Pro703Ser)

Gene: POLE (DNA polymerase epsilon, catalytic subunit; minus strand). Cytogenetic location: 12q24.33.
Variant type: single nucleotide variant.
Coding change: c.2107C>T on transcript NM_006231.4 (MANE Select); coding-DNA position 2107, C replaced by T.
Protein change: p.Pro703Ser; replaces proline 703 with serine.
Molecular consequence: missense variant.
Genome position (GRCh38, 1-based): chr12:132,668,422, G>A on the plus strand (C>T on the coding strand, the complement: POLE is on the minus strand). VCF-style: chr12-132668422-G-A. GRCh37 (hg19) VCF-style: chr12-133245008-G-A.
Other names: short protein forms P703S.
Identifiers: ClinVar variation 3935648 (VCV003935648.1).

ClinVar aggregate classification (germline): Uncertain significance (1 of 4 stars; one submission).

Conditions:
Hereditary cancer-predisposing syndrome. Also called: Tumor predisposition; Hereditary neoplastic syndrome; Hereditary Cancer Syndrome; Neoplastic Syndromes, Hereditary. Identifiers: Orphanet 140162, MedGen C0027672, MeSH D009386, MONDO:0015356.

Submission:

Ambry Genetics
Classification: Uncertain significance for Hereditary cancer-predisposing syndrome. Last evaluated: 2025-06-06. Review status: criteria provided, single submitter. Criteria: Ambry Variant Classification Scheme 2023. Collection method: clinical testing. Allele origin: germline.
Comment: The p.P703S variant (also known as c.2107C>T), located in coding exon 19 of the POLE gene, results from a C to T substitution at nucleotide position 2107. The proline at codon 703 is replaced by serine, an amino acid with similar properties. This amino acid position is highly conserved in available vertebrate species. In addition, this alteration is predicted to be tolerated by in silico analysis. Based on the available evidence, the clinical significance of this variant remains unclear.